The following is an entry in ClinVar:

ClinVar aggregate classification (germline): Uncertain significance. Review status: criteria provided, multiple submitters, no conflicts (2 of 4 stars). 2 submissions from 2 submitters: Uncertain significance (2). Last evaluated 2025-06-02.

Conditions:
Inborn genetic diseases. Identifiers: MedGen C0950123, MeSH D030342.

Allele frequency attached by ClinVar (database versions not stated): TOPMed 0.00003; gnomAD exomes 0.00007; gnomAD 0.00004.

Submissions (2):

Ambry Genetics
Classification: Uncertain significance for Inborn genetic diseases. Last evaluated: 2025-06-02. Review status: criteria provided, single submitter. Criteria: Ambry Variant Classification Scheme 2023. Collection method: clinical testing. Allele origin: germline.

Labcorp Genetics (formerly Invitae), Labcorp
Classification: Uncertain significance. Last evaluated: 2022-08-12. Review status: criteria provided, single submitter. Criteria: Invitae Variant Classification Sherloc (09022015). Collection method: clinical testing. Allele origin: germline.
Comment: This sequence change replaces glutamic acid, which is acidic and polar, with lysine, which is basic and polar, at codon 89 of the NKX3-2 protein (p.Glu89Lys). This variant is present in population databases (no rsID available, gnomAD 0.005%). This variant has not been reported in the literature in individuals affected with NKX3-2-related conditions. Algorithms developed to predict the effect of missense changes on protein structure and function (SIFT, PolyPhen-2, Align-GVGD) all suggest that this variant is likely to be tolerated. In summary, the available evidence is currently insufficient to determine the role of this variant in disease. Therefore, it has been classified as a Variant of Uncertain Significance.

NM_001189.4(NKX3-2):c.265G>A (p.Glu89Lys)

Gene: NKX3-2 (NK3 homeobox 2; minus strand). Cytogenetic location: 4p15.33.
Variant type: single nucleotide variant.
Coding change: c.265G>A on transcript NM_001189.4 (MANE Select); coding-DNA position 265, G replaced by A.
Protein change: p.Glu89Lys; replaces glutamic acid 89 with lysine.
Molecular consequence: missense variant.
Genome position (GRCh38, 1-based): chr4:13,544,150, C>T on the plus strand (G>A on the coding strand, the complement: NKX3-2 is on the minus strand). VCF-style: chr4-13544150-C-T. GRCh37 (hg19) VCF-style: chr4-13545774-C-T.
Other names: c.265G>A (NM_001189.3); short protein forms E89K.
Identifiers: ClinVar variation 1967364 (VCV001967364.5), dbSNP rs1408286343, ClinGen allele CA356377721.